The following is an entry in ClinVar:

NM_003172.4(SURF1):c.269T>C (p.Leu90Pro)

Gene: SURF1 (SURF1 cytochrome c oxidase assembly factor; minus strand). Cytogenetic location: 9q34.2.
Variant type: single nucleotide variant.
Coding change: c.269T>C on transcript NM_003172.4 (MANE Select); coding-DNA position 269, T replaced by C.
Protein change: p.Leu90Pro; replaces leucine 90 with proline.
Molecular consequence: missense variant. On other transcripts: 5 prime UTR variant (1).
Genome position (GRCh38, 1-based): chr9:133,354,713, A>G on the plus strand (T>C on the coding strand, the complement: SURF1 is on the minus strand). VCF-style: chr9-133354713-A-G. GRCh37 (hg19) VCF-style: chr9-136221568-A-G.
Other names: c.-59T>C (NM_001280787.1); short protein forms L90P.
Identifiers: ClinVar variation 381516 (VCV000381516.19), dbSNP rs782024654, ClinGen allele CA16605654.
Genomic context (GRCh38, chr9:133,354,713, plus strand): 5'-ACTCACTCGGCTGGCAGAGGGACAGGCTCAGCCAGAACTCTGGACTCCAACTCTGCAATC[A>G]GGTTCAGCTTCCACTTCCGACGCTGGACCTACAGTGACAGAGCATAAGGCCAAGCAGATG-3'
Protein context (NP_003163.1, residues 80-100): QVQRRKWKLN[Leu90Pro]IAELESRVLA

ClinVar aggregate classification (germline): Pathogenic/Likely pathogenic. Review status: criteria provided, multiple submitters, no conflicts (2 of 4 stars). 8 submissions from 8 submitters: Pathogenic (3); Likely pathogenic (1). 4 of the submissions do not count toward it. Last evaluated 2026-01-13.

Conditions:
Inborn genetic diseases. Identifiers: MedGen C0950123, MeSH D030342.
Leigh syndrome (NULS). Also called: Leigh Disease; Subacute necrotizing encephalopathy; Necrotizing encephalopathy infantile subacute of Leigh; Leigh's necrotizing encephalopathy; Leigh's disease; Leigh Syndrome (mtDNA deletion). Identifiers: Orphanet 506, MedGen C2931891, MONDO:0009723, OMIM 256000.

Allele frequency attached by ClinVar (database versions not stated): gnomAD 0.00001; gnomAD exomes 0.00001; TOPMed 0.00001.
gnomAD v4.1: 10 of 1,613,502 alleles (0.00062%); highest among the groups gnomAD compares: Non-Finnish European, 0.00085%; no homozygotes.

Submissions (8):

Labcorp Genetics (formerly Invitae), Labcorp
Classification: Pathogenic for Leigh syndrome. Last evaluated: 2026-01-13. Review status: criteria provided, single submitter. Criteria: Invitae Variant Classification Sherloc (09022015). Collection method: clinical testing. Allele origin: germline.
Comment: This sequence change replaces leucine, which is neutral and non-polar, with proline, which is neutral and non-polar, at codon 90 of the SURF1 protein (p.Leu90Pro). This variant is not present in population databases (gnomAD no frequency). This missense change has been observed in individual(s) with Leigh syndrome (PMID: 19780766, 22488715, 32445240). In at least one individual the data is consistent with being in trans (on the opposite chromosome) from a pathogenic variant. ClinVar contains an entry for this variant (Variation ID: 381516). Invitae Evidence Modeling of protein sequence and biophysical properties (such as structural, functional, and spatial information, amino acid conservation, physicochemical variation, residue mobility, and thermodynamic stability) indicates that this missense variant is expected to disrupt SURF1 protein function with a positive predictive value of 95%. Experimental studies have shown that this missense change affects SURF1 function (PMID: 29933018). For these reasons, this variant has been classified as Pathogenic.

Women's Health and Genetics/Laboratory Corporation of America, LabCorp
Classification: Pathogenic for Leigh syndrome. Last evaluated: 2023-11-09. Review status: criteria provided, single submitter. Criteria: LabCorp Variant Classification Summary - May 2015. Collection method: clinical testing. Allele origin: germline.
Comment: Variant summary: SURF1 c.269T>C (p.Leu90Pro) results in a non-conservative amino acid change in the encoded protein sequence. Five of five in-silico tools predict a damaging effect of the variant on protein function. The variant was absent in 251306 control chromosomes (gnomAD). c.269T>C has been reported in the literature in compound heterozygous and homozygous individuals affected with Leigh Syndrome (Piekutowska-Abramczuk_2009, Lee_2012, Alves_2020, Martin-Saavedra_2021, Stenton_2022). These data indicate that the variant is very likely to be associated with disease. At least one publication reports experimental evidence evaluating an impact on protein function. The most pronounced variant effect results in 30%-50% of normal activity (Li_2018). The following publications have been ascertained in the context of this evaluation (PMID: 32445240, 34943053, 22488715, 29933018, 34052969, 19780766, 35094435). Two submitters have cited clinical-significance assessments for this variant to ClinVar after 2014. All submitters classified the variant as pathogenic. Based on the evidence outlined above, the variant was classified as pathogenic.

Ambry Genetics
Classification: Likely pathogenic for Inborn genetic diseases. Last evaluated: 2023-10-13. Review status: criteria provided, single submitter. Criteria: Ambry Variant Classification Scheme 2023. Collection method: clinical testing. Allele origin: germline.
Comment: The c.269T>C (p.L90P) alteration is located in exon 4 (coding exon 4) of the SURF1 gene. This alteration results from a T to C substitution at nucleotide position 269, causing the leucine (L) at amino acid position 90 to be replaced by a proline (P). This variant was not reported in population-based cohorts in the Genome Aggregation Database (gnomAD). This alteration was detected in conjunction with another alteration in SURF1 in multiple individuals with SURF1-related mitochondrial complex IV deficiency (Lee, 2012; Stenton, 2022; Martin-Saavedra, 2022). This amino acid position is well conserved in available vertebrate species. Functional data suggests that this variant may decrease complex IV assembly in a cell model (Li, 2018). This alteration is predicted to be deleterious by in silico analysis. Based on the available evidence, this alteration is classified as likely pathogenic.

GeneDx
Classification: Pathogenic. Last evaluated: 2023-06-06. Review status: criteria provided, single submitter. Criteria: GeneDx Variant Classification Process June 2021. Collection method: clinical testing. Allele origin: germline. Affected: yes.
Comment: Not observed at significant frequency in large population cohorts (gnomAD); In silico analysis supports that this missense variant has a deleterious effect on protein structure/function; This variant is associated with the following publications: (PMID: 19780766, 22488715, 29933018, 32445240, 35094435, 34052969)

Clinical Genetics DNA and cytogenetics Diagnostics Lab, Erasmus MC, Erasmus Medical Center
Classification: Likely pathogenic. Review status: no assertion criteria provided. Collection method: clinical testing. Allele origin: germline. Affected: yes. Study: VKGL Data-share Consensus. Not counted in ClinVar's aggregate classification.

Diagnostic Laboratory, Department of Genetics, University Medical Center Groningen
Classification: Likely pathogenic. Review status: no assertion criteria provided. Collection method: clinical testing. Allele origin: germline. Affected: yes. Study: VKGL Data-share Consensus. Not counted in ClinVar's aggregate classification.

Joint Genome Diagnostic Labs from Nijmegen and Maastricht, Radboudumc and MUMC+
Classification: Likely pathogenic. Review status: no assertion criteria provided. Collection method: clinical testing. Allele origin: germline. Affected: yes. Study: VKGL Data-share Consensus. Not counted in ClinVar's aggregate classification.

Laboratory of Diagnostic Genome Analysis, Leiden University Medical Center (LUMC)
Classification: Pathogenic. Review status: no assertion criteria provided. Collection method: clinical testing. Allele origin: germline. Affected: yes. Study: VKGL Data-share Consensus. Not counted in ClinVar's aggregate classification.

Literature cited by the submitters: PubMed 19780766 (cited by Labcorp Genetics (formerly Invitae), Labcorp and Women's Health and Genetics/Laboratory Corporation of America, LabCorp); PubMed 22488715 (cited by 3 submitters); PubMed 32445240 (cited by Labcorp Genetics (formerly Invitae), Labcorp and Women's Health and Genetics/Laboratory Corporation of America, LabCorp); PubMed 29933018 (cited by 3 submitters); PubMed 35094435 (cited by Women's Health and Genetics/Laboratory Corporation of America, LabCorp and Ambry Genetics); PubMed 34943053 (cited by Women's Health and Genetics/Laboratory Corporation of America, LabCorp); PubMed 34052969 (cited by Women's Health and Genetics/Laboratory Corporation of America, LabCorp and Ambry Genetics).